The following is an entry in ClinVar:

NM_000057.4(BLM):c.520C>T (p.Gln174Ter)

Gene: BLM (BLM RecQ like helicase; plus strand). Cytogenetic location: 15q26.1.
Variant type: single nucleotide variant.
Coding change: c.520C>T on transcript NM_000057.4 (MANE Select); coding-DNA position 520, C replaced by T.
Protein change: p.Gln174Ter; replaces glutamine 174 with a stop codon.
Molecular consequence: nonsense. On other transcripts: 5 prime UTR variant (1).
Genome position (GRCh38, 1-based): chr15:90,749,788, C>T. VCF-style: chr15-90749788-C-T. GRCh37 (hg19) VCF-style: chr15-91293018-C-T.
Other names: c.520C>T, p.Gln174Ter (NM_001287246.2, NM_001287247.2); c.-772C>T (NM_001287248.2); short protein forms Q174*.
Identifiers: ClinVar variation 4805214 (VCV004805214.1).

ClinVar aggregate classification (germline): Pathogenic (1 of 4 stars; one submission).

Conditions:
Bloom syndrome (BLM). Also called: Bloom-Torre-Machacek syndrome. Identifiers: Orphanet 125, MedGen C0005859, MONDO:0008876, OMIM 210900.

Submission:

Labcorp Genetics (formerly Invitae), Labcorp
Classification: Pathogenic for Bloom syndrome. Last evaluated: 2025-02-03. Review status: criteria provided, single submitter. Criteria: Invitae Variant Classification Sherloc (09022015). Collection method: clinical testing. Allele origin: germline.
Comment: This sequence change creates a premature translational stop signal (p.Gln174*) in the BLM gene. It is expected to result in an absent or disrupted protein product. Loss-of-function variants in BLM are known to be pathogenic (PMID: 17407155). This variant is not present in population databases (gnomAD no frequency). This variant has not been reported in the literature in individuals affected with BLM-related conditions. For these reasons, this variant has been classified as Pathogenic.

Literature cited by the submitters: PubMed 17407155.